The following is an entry in ClinVar:

ClinVar aggregate classification (germline): Uncertain significance. Review status: criteria provided, multiple submitters, no conflicts (2 of 4 stars). 2 submissions from 2 submitters: Uncertain significance (2). Last evaluated 2025-11-04.

Conditions:
Neuropathy, hereditary sensory and autonomic, type 2A (HSAN2A). Also called: ACROOSTEOLYSIS, GIACCAI TYPE; ACROOSTEOLYSIS, NEUROGENIC; MORVAN DISEASE; WNK1-Related HSAN2 (HSAN2A); HSAN IIA; NEUROPATHY, CONGENITAL SENSORY. Identifiers: Orphanet 970, MedGen C2752089, MONDO:0024309, OMIM 201300.
Pseudohypoaldosteronism type 2C (PHA2C). Also called: Pseudohypoaldosteronism Type IIC. Identifiers: Orphanet 757, Orphanet 88940, MedGen C1840391, MONDO:0013778, OMIM 614492.

gnomAD v4.1: 7 of 1,614,042 alleles (0.00043%); highest among the groups gnomAD compares: Admixed American, 0.0033%; no homozygotes.

Submissions (2):

Women's Health and Genetics/Laboratory Corporation of America, LabCorp
Classification: Uncertain significance. Last evaluated: 2025-11-04. Review status: criteria provided, single submitter. Criteria: LabCorp Variant Classification Summary - May 2015. Collection method: clinical testing. Allele origin: germline.
Comment: Variant summary: WNK1 c.2153G>A (p.Ser718Asn) results in a conservative amino acid change in the encoded protein sequence. Algorithms developed to predict the effect of missense changes on protein structure and function all suggest that this variant is likely to be tolerated. The variant was absent in 251470 control chromosomes. The available data on variant occurrences in the general population are insufficient to allow any conclusion about variant significance. To our knowledge, no occurrence of c.2153G>A in individuals affected with WNK1-related conditions and no experimental evidence demonstrating its impact on protein function have been reported. ClinVar contains an entry for this variant (Variation ID: 3575551). Based on the evidence outlined above, the variant was classified as uncertain significance.

Fulgent Genetics
Classification: Uncertain significance for Neuropathy, hereditary sensory and autonomic, type 2A; Pseudohypoaldosteronism type 2C. Last evaluated: 2024-06-24. Review status: criteria provided, single submitter. Criteria: ACMG Guidelines, 2015. Collection method: clinical testing. Allele origin: germline.

NM_018979.4(WNK1):c.2153G>A (p.Ser718Asn)

Gene: WNK1 (WNK lysine deficient protein kinase 1; plus strand). Cytogenetic location: 12p13.33.
Variant type: single nucleotide variant.
Coding change: c.2153G>A on transcript NM_018979.4 (MANE Select); coding-DNA position 2153, G replaced by A.
Protein change: p.Ser718Asn; replaces serine 718 with asparagine.
Molecular consequence: missense variant.
Genome position (GRCh38, 1-based): chr12:871,278, G>A. VCF-style: chr12-871278-G-A. GRCh37 (hg19) VCF-style: chr12-980444-G-A.
Other names: c.3392G>A, p.Ser1131Asn (NM_001184985.2); c.2153G>A, p.Ser718Asn (NM_014823.3); c.3647G>A, p.Ser1216Asn (NM_213655.5); short protein forms S1131N, S1216N, S718N.
Identifiers: ClinVar variation 3575551 (VCV003575551.2).